The following is an entry in ClinVar:

NM_014363.6(SACS):c.12575A>G (p.Asp4192Gly)

Gene: SACS (sacsin molecular chaperone; minus strand). Cytogenetic location: 13q12.12.
Variant type: single nucleotide variant.
Coding change: c.12575A>G on transcript NM_014363.6 (MANE Select); coding-DNA position 12575, A replaced by G.
Protein change: p.Asp4192Gly; replaces aspartic acid 4192 with glycine.
Molecular consequence: missense variant.
Genome position (GRCh38, 1-based): chr13:23,331,301, T>C on the plus strand (A>G on the coding strand, the complement: SACS is on the minus strand). VCF-style: chr13-23331301-T-C. GRCh37 (hg19) VCF-style: chr13-23905440-T-C.
Other names: c.12134A>G, p.Asp4045Gly (NM_001278055.2); c.12602A>G, p.Asp4201Gly (NM_001437336.1); short protein forms D4201G, D4192G, D4045G.
Identifiers: ClinVar variation 5003473 (VCV005003473.1).
Genomic context (GRCh38, chr13:23,331,301, plus strand): 5'-CTTTCAACTTCTTGTACAATAATTGCATATGTGTATGTTGGCTGGTATGATCCATAGATA[T>C]CACCACCTTCAGCATCAACAAGGTACCCAACATATTCTCCCGGGTAAAAAACATTCATTG-3'
Protein context (NP_055178.3, residues 4182-4202): VGYLVDAEGG[Asp4192Gly]IYGSYQPTYT

ClinVar aggregate classification (germline): Uncertain significance (1 of 4 stars; one submission).

Conditions:
Charlevoix-Saguenay spastic ataxia (SACS). Also called: SPASTIC ATAXIA 6, AUTOSOMAL RECESSIVE; AUTOSOMAL RECESSIVE SPASTIC ATAXIA OF CHARLEVOIX-SAGUENAY; Spastic ataxia of Charlevoix-Saguenay. Identifiers: Orphanet 98, MedGen C1849140, MONDO:0010041, OMIM 270550.

Submission:

Myriad Genetics, Inc.
Classification: Uncertain significance for Charlevoix-Saguenay spastic ataxia. Last evaluated: 2026-06-30. Review status: criteria provided, single submitter. Criteria: Myriad Autosomal Dominant, Autosomal Recessive and X-Linked Classification Criteria (2023). Collection method: clinical testing. Allele origin: unknown.
Comment: NM_014363.4(SACS):c.12575A>G(D4192G) is a missense variant classified as a variant of uncertain significance in the context of autosomal recessive spastic ataxia of Charlevoix-Saguenay. D4192G has been observed in a case with relevant disease (PMID: 39044368). Relevant functional assessments of this variant are not available in the literature. D4192G has not been observed in referenced population frequency databases. In summary, there is insufficient evidence to classify NM_014363.4(SACS):c.12575A>G(D4192G) as pathogenic or benign. Please note: this variant was assessed in the context of healthy population screening.

Literature cited by the submitters: PubMed 39044368.